The following is an entry in ClinVar:

NM_021008.4(DEAF1):c.664+5G>A

Gene: DEAF1 (DEAF1 transcription factor; minus strand). Cytogenetic location: 11p15.5.
Variant type: single nucleotide variant.
Coding change: c.664+5G>A on transcript NM_021008.4 (MANE Select); 5 bases into the intron after coding-DNA position 664, G replaced by A.
Molecular consequence: intron variant.
Genome position (GRCh38, 1-based): chr11:687,906, C>T on the plus strand (G>A on the coding strand, the complement: DEAF1 is on the minus strand). VCF-style: chr11-687906-C-T. GRCh37 (hg19) VCF-style: chr11-687906-C-T.
Other names: NC_000011.9:g.687906C>T; c.-63+5G>A (NM_001367390.1, NM_001440885.1, NM_001440887.1 and 1 more transcripts); c.664+5G>A (NM_001293634.2, NM_001440884.1, NM_001440883.1).
Identifiers: ClinVar variation 3391778 (VCV003391778.2).

ClinVar aggregate classification (germline): Uncertain significance (1 of 4 stars; one submission).

Submissions (2):

GeneDx
Classification: Uncertain significance. Last evaluated: 2024-06-20. Review status: criteria provided, single submitter. Criteria: GeneDx Variant Classification Process June 2021. Collection method: clinical testing. Allele origin: germline. Affected: yes.
Comment: Not observed at significant frequency in large population cohorts (gnomAD); In silico analysis indicates that this variant does not alter splicing; Has not been previously published as pathogenic or benign to our knowledge

Dr. Peter K. Rogan Lab, Western University
No classification provided (evidence only). Condition: Colon adenocarcinoma. Review status: no classification provided. Collection method: in vitro. Allele origin: not applicable. Functional consequence: skipped exon. Not counted in ClinVar's aggregate classification.